The following is an entry in ClinVar:

ClinVar aggregate classification (germline): Likely benign. Review status: criteria provided, multiple submitters, no conflicts (2 of 4 stars). 3 submissions from 3 submitters: Likely benign (2). 1 of the submissions does not count toward it. Last evaluated 2026-01-05.

Conditions:
ERBB3-related disorder. Also called: ERBB3-related condition.

Allele frequency attached by ClinVar (database versions not stated): ExAC 0.00062; gnomAD exomes 0.00064; gnomAD 0.00117 and 0.00119; ESP Exome Variant Server 0.00123; TOPMed 0.00134; 1000 Genomes Project 30x 0.00203; 1000 Genomes Project 0.00220.
gnomAD v4.1: 693 of 1,614,084 alleles (0.043%); highest among the groups gnomAD compares: Middle Eastern, 0.33%; 2 homozygotes.

Submissions (3):

Labcorp Genetics (formerly Invitae), Labcorp
Classification: Likely benign. Last evaluated: 2026-01-05. Review status: criteria provided, single submitter. Criteria: Invitae Variant Classification Sherloc (09022015). Collection method: clinical testing. Allele origin: germline.

Breakthrough Genomics
Classification: Likely benign. Review status: criteria provided, single submitter. Criteria: ACMG Guidelines, 2015. Collection method: not provided. Allele origin: germline. Inheritance: Autosomal recessive inheritance. Affected: yes.

PreventionGenetics, part of Exact Sciences
Classification: Likely benign for ERBB3-related condition. Last evaluated: 2022-10-11. Review status: no assertion criteria provided. Collection method: clinical testing. Allele origin: germline. Not counted in ClinVar's aggregate classification.
Comment: This variant is classified as likely benign based on ACMG/AMP sequence variant interpretation guidelines (Richards et al. 2015 PMID: 25741868, with internal and published modifications).

NM_001982.4(ERBB3):c.3289T>C (p.Ser1097Pro)

Gene: ERBB3 (erb-b2 receptor tyrosine kinase 3; plus strand). Cytogenetic location: 12q13.2.
Variant type: single nucleotide variant.
Coding change: c.3289T>C on transcript NM_001982.4 (MANE Select); coding-DNA position 3289, T replaced by C.
Protein change: p.Ser1097Pro; replaces serine 1097 with proline.
Molecular consequence: missense variant.
Genome position (GRCh38, 1-based): chr12:56,101,148, T>C. VCF-style: chr12-56101148-T-C. GRCh37 (hg19) VCF-style: chr12-56494932-T-C.
Other names: short protein forms S1097P.
Identifiers: ClinVar variation 713417 (VCV000713417.8), dbSNP rs77822103, ClinGen allele CA6622906.